The following is an entry in ClinVar:

NM_198576.4(AGRN):c.1659C>G (p.Cys553Trp)

Gene: AGRN (agrin; plus strand). Cytogenetic location: 1p36.33.
Variant type: single nucleotide variant.
Coding change: c.1659C>G on transcript NM_198576.4 (MANE Select); coding-DNA position 1659, C replaced by G.
Protein change: p.Cys553Trp; replaces cysteine 553 with tryptophan.
Molecular consequence: missense variant.
Genome position (GRCh38, 1-based): chr1:1,043,593, C>G. VCF-style: chr1-1043593-C-G. GRCh37 (hg19) VCF-style: chr1-978973-C-G.
Other names: c.1659C>G, p.Cys553Trp (NM_001305275.2); c.1344C>G, p.Cys448Trp (NM_001364727.2); short protein forms C448W, C553W.
Identifiers: ClinVar variation 1007776 (VCV001007776.8), dbSNP rs541915367, ClinGen allele CA508287.
Genomic context (GRCh38, chr1:1,043,593, plus strand): 5'-CCCAGACCGCTGCGGGCAGTGCCGCTTTGGAGCCCTGTGCGAGGCCGAGACCGGGCGCTG[C>G]GTGTGCCCCTCTGAATGCGTGGCTTTGGCCCAGCCCGTGTGTGGCTCCGACGGGCACACG-3'
Protein context (NP_940978.2, residues 543-563): GALCEAETGR[Cys553Trp]VCPSECVALA

ClinVar aggregate classification (germline): Uncertain significance (1 of 4 stars; one submission).

Conditions:
Congenital myasthenic syndrome 8. Also called: Myasthenic syndrome, congenital, 8, with pre- and postsynaptic defects; MYASTHENIC SYNDROME, CONGENITAL, DUE TO AGRIN DEFICIENCY. Identifiers: Orphanet 590, MedGen C3808739, MONDO:0014052, OMIM 615120.

Submission:

Labcorp Genetics (formerly Invitae), Labcorp
Classification: Uncertain significance for Congenital myasthenic syndrome 8. Last evaluated: 2020-10-12. Review status: criteria provided, single submitter. Criteria: Invitae Variant Classification Sherloc (09022015). Collection method: clinical testing. Allele origin: germline.
Comment: In summary, the available evidence is currently insufficient to determine the role of this variant in disease. Therefore, it has been classified as a Variant of Uncertain Significance. Algorithms developed to predict the effect of missense changes on protein structure and function are either unavailable or do not agree on the potential impact of this missense change (SIFT: "Deleterious"; PolyPhen-2: "Probably Damaging"; Align-GVGD: "Class C15"). This variant has not been reported in the literature in individuals with AGRN-related conditions. This variant is present in population databases (rs541915367, ExAC 0.009%). This sequence change replaces cysteine with tryptophan at codon 553 of the AGRN protein (p.Cys553Trp). The cysteine residue is highly conserved and there is a large physicochemical difference between cysteine and tryptophan.